The following is an entry in ClinVar:

ClinVar aggregate classification (germline): Uncertain significance. Review status: criteria provided, multiple submitters, no conflicts (2 of 4 stars). 2 submissions from 2 submitters: Uncertain significance (2). Last evaluated 2023-11-09.

Conditions:
Inborn genetic diseases. Identifiers: MedGen C0950123, MeSH D030342.

Allele frequency attached by ClinVar (database versions not stated): gnomAD exomes below 0.00001; ExAC 0.00001.

Submissions (2):

Ambry Genetics
Classification: Uncertain significance for Inborn genetic diseases. Last evaluated: 2023-11-09. Review status: criteria provided, single submitter. Criteria: Ambry Variant Classification Scheme 2023. Collection method: clinical testing. Allele origin: germline.

CeGaT Center for Human Genetics Tuebingen
Classification: Uncertain significance. Last evaluated: 2023-10-01. Review status: criteria provided, single submitter. Criteria: CeGaT Center For Human Genetics Tuebingen Variant Classification Criteria Version 2. Collection method: clinical testing. Allele origin: germline. Affected: yes. Observed: 1 variant allele.
Comment: CUBN: PM2

NM_001081.4(CUBN):c.713C>T (p.Ala238Val)

Genes: CUBN (cubilin; minus strand), LOC126860871 (MED14-independent group 3 enhancer GRCh37_chr10:17157167-17158366; plus strand). Cytogenetic location: 10p13.
Variant type: single nucleotide variant.
Coding change: c.713C>T on transcript NM_001081.4 (MANE Select); coding-DNA position 713, C replaced by T.
Protein change: p.Ala238Val; replaces alanine 238 with valine.
Molecular consequence: missense variant.
Genome position (GRCh38, 1-based): chr10:17,115,478, G>A on the plus strand (C>T on the coding strand, the complement: CUBN is on the minus strand). VCF-style: chr10-17115478-G-A. GRCh37 (hg19) VCF-style: chr10-17157477-G-A.
Other names: short protein forms A238V.
Identifiers: ClinVar variation 2640331 (VCV002640331.25), dbSNP rs765324475, ClinGen allele CA5425534.